The following is an entry in ClinVar:

NM_032043.3(BRIP1):c.685T>C (p.Ser229Pro)

Gene: BRIP1 (BRCA1 interacting DNA helicase 1; minus strand). Cytogenetic location: 17q23.2.
Variant type: single nucleotide variant.
Coding change: c.685T>C on transcript NM_032043.3 (MANE Select); coding-DNA position 685, T replaced by C.
Protein change: p.Ser229Pro; replaces serine 229 with proline.
Molecular consequence: missense variant.
Genome position (GRCh38, 1-based): chr17:61,808,700, A>G on the plus strand (T>C on the coding strand, the complement: BRIP1 is on the minus strand). VCF-style: chr17-61808700-A-G. GRCh37 (hg19) VCF-style: chr17-59886061-A-G.
Other names: c.685T>C (NM_032043.2); short protein forms S229P.
Identifiers: ClinVar variation 1383722 (VCV001383722.7), dbSNP rs2145421239, ClinGen allele CA400485129.

ClinVar aggregate classification (germline): Uncertain significance. Review status: criteria provided, multiple submitters, no conflicts (2 of 4 stars). 2 submissions from 2 submitters: Uncertain significance (2). Last evaluated 2026-08-18.

Conditions:
Hereditary cancer-predisposing syndrome. Also called: Hereditary Cancer Syndrome; Neoplastic Syndromes, Hereditary; Hereditary neoplastic syndrome; Tumor predisposition. Identifiers: Orphanet 140162, MedGen C0027672, MeSH D009386, MONDO:0015356.
Familial cancer of breast. Also called: hereditary breast carcinoma; Hereditary breast cancer; BREAST CANCER, FAMILIAL. Identifiers: Orphanet 227535, MedGen C0346153, MONDO:0016419, OMIM 114480. Disease mechanism: loss of function.
Fanconi anemia complementation group J. Also called: BRIP1-Related Fanconi Anemia. Identifiers: Orphanet 84, MedGen C1836860, MONDO:0012187, OMIM 609054.

Submissions (2):

Ambry Genetics
Classification: Uncertain significance for Hereditary cancer-predisposing syndrome. Last evaluated: 2026-08-18. Review status: criteria provided, single submitter. Criteria: Ambry Variant Classification Scheme 2023. Collection method: clinical testing. Allele origin: germline.
Comment: The p.S229P variant (also known as c.685T>C), located in coding exon 6 of the BRIP1 gene, results from a T to C substitution at nucleotide position 685. The serine at codon 229 is replaced by proline, an amino acid with similar properties. This amino acid position is conserved. In addition, this alteration is predicted to be tolerated by in silico analysis. Based on the available evidence, the clinical significance of this variant remains unclear.

Labcorp Genetics (formerly Invitae), Labcorp
Classification: Uncertain significance for Familial cancer of breast; Fanconi anemia complementation group J. Last evaluated: 2025-10-14. Review status: criteria provided, single submitter. Criteria: Invitae Variant Classification Sherloc (09022015). Collection method: clinical testing. Allele origin: germline.
Comment: This sequence change replaces serine, which is neutral and polar, with proline, which is neutral and non-polar, at codon 229 of the BRIP1 protein (p.Ser229Pro). This variant is not present in population databases (gnomAD no frequency). This variant has not been reported in the literature in individuals affected with BRIP1-related conditions. ClinVar contains an entry for this variant (Variation ID: 1383722). Invitae Evidence Modeling of protein sequence and biophysical properties (such as structural, functional, and spatial information, amino acid conservation, physicochemical variation, residue mobility, and thermodynamic stability) indicates that this missense variant is not expected to disrupt BRIP1 protein function with a negative predictive value of 95%. In summary, the available evidence is currently insufficient to determine the role of this variant in disease. Therefore, it has been classified as a Variant of Uncertain Significance.